The following is an entry in ClinVar:

ClinVar aggregate classification (germline): Uncertain significance (1 of 4 stars; one submission).

Conditions:
Familial thoracic aortic aneurysm and aortic dissection (TAAD). Also called: Thoracic aortic aneurysms and dissections. Identifiers: Orphanet 91387, MedGen C4707243, MONDO:0019625.

Submission:

All of Us Research Program, National Institutes of Health
Classification: Uncertain significance for Familial thoracic aortic aneurysm and aortic dissection. Last evaluated: 2024-07-10. Review status: criteria provided, single submitter. Criteria: ACMG Guidelines, 2015. Collection method: clinical testing. Allele origin: germline. Inheritance: Autosomal dominant inheritance. Observed: 1 variant allele, 1 heterozygote.
Comment: This variant causes a G to T nucleotide substitution at the +5 position of intron 34 of the MYH11 gene. To our knowledge, functional studies have not been reported for this variant. This variant has not been reported in individuals affected with MYH11-related disorders in the literature. This variant has not been identified in the general population by the Genome Aggregation Database (gnomAD). The available evidence is insufficient to determine the role of this variant in disease conclusively. Therefore, this variant is classified as a Variant of Uncertain Significance.

This study involves interpretation of variants in research participants for the purpose of population health screening. Participant phenotype was not available at the time of variant classification. Additional details can be found in publication PMID: 35346344, PMCID: PMC8962531

NM_002474.3(MYH11):c.4791+5G>T

Genes: NDE1 (nudE neurodevelopment protein 1; plus strand), MYH11 (myosin heavy chain 11; minus strand). Cytogenetic location: 16p13.11.
Variant type: single nucleotide variant.
Coding change: c.4791+5G>T on transcript NM_002474.3 (MANE Select); 5 bases into the intron after coding-DNA position 4791, G replaced by T.
Molecular consequence: intron variant.
Genome position (GRCh38, 1-based): chr16:15,720,834, C>A on the plus strand (G>T on the coding strand, the complement: MYH11 is on the minus strand). VCF-style: chr16-15720834-C-A. GRCh37 (hg19) VCF-style: chr16-15814691-C-A.
Other names: c.948-3357C>A (NM_001143979.2, NM_017668.3); c.4791+5G>T (NM_022844.3); c.4812+5G>T (NM_001040114.2, NM_001040113.2).
Identifiers: ClinVar variation 3387173 (VCV003387173.1).
Genomic context (GRCh38, chr16:15,720,834, plus strand): 5'-GAGTGGTGATAGGAATGAAAAAGGCCACCCGACCTCCCTCTGCTGGCCTCCCCGGCAGCA[C>A]GCACCTGTCTCTGCAGTTGCCTCCTCTTCTCCTCATTCTGCTCGTCCCGGGCTTGGAGAT-3'